The following is an entry in ClinVar:

ClinVar aggregate classification (germline): Uncertain significance (1 of 4 stars; one submission).

Conditions:
Hereditary pheochromocytoma and paraganglioma. Also called: Hereditary Paraganglioma-Pheochromocytoma Syndromes; Hereditary paragangliomas and pheochromocytomas; Hereditary pheochromocytoma-paraganglioma. Identifiers: Orphanet 29072, MedGen C4274332, MONDO:0017366.

Submission:

Color Diagnostics, LLC DBA Color Health
Classification: Uncertain significance for Hereditary pheochromocytoma and paraganglioma. Last evaluated: 2025-06-20. Review status: criteria provided, single submitter. Criteria: ACMG Guidelines, 2015. Collection method: clinical testing. Allele origin: germline.
Comment: This variant deletes a single amino acid in exon 2 of the SDHAF2 gene. To our knowledge, functional studies have not been reported for this variant. This variant has not been reported in individuals affected with SDHAF2-related disorders in the literature. This variant has not been identified in the general population by the Genome Aggregation Database (gnomAD). The available evidence is insufficient to determine the role of this variant in disease conclusively. Therefore, this variant is classified as a Variant of Uncertain Significance.

NM_017841.4(SDHAF2):c.253CTT[1] (p.Leu86del)

Gene: SDHAF2 (succinate dehydrogenase complex assembly factor 2; plus strand). Cytogenetic location: 11q12.2.
Variant type: Microsatellite.
Coding change: c.253CTT[1] on transcript NM_017841.4 (MANE Select); one copy of the 3-base unit CTT starting at c.253; the reference has two copies in a row; one copy, 3 bases deleted; also written c.256_258del.
Protein change: p.Leu86del; deletes leucine 86.
Genome position (GRCh38, 1-based): chr11:61,437,844-61,437,846, CTT deleted; deleting any 3 consecutive bases within chr11:61,437,839-61,437,846 gives the same sequence; the position shown is the placement nearest the transcript's 3' end. VCF-style (leftmost placement, unchanged base first): chr11-61437838-ATTC-A. GRCh37 (hg19) VCF-style: chr11-61205310-ATTC-A.
Other names: c.256_258del (NM_017841.4); short protein forms L86del.
Identifiers: ClinVar variation 4756900 (VCV004756900.1).